The following is an entry in ClinVar:

NM_001376.5(DYNC1H1):c.13022G>C (p.Ser4341Thr)

Gene: DYNC1H1 (dynein cytoplasmic 1 heavy chain 1; plus strand). Cytogenetic location: 14q32.31.
Variant type: single nucleotide variant.
Coding change: c.13022G>C on transcript NM_001376.5 (MANE Select); coding-DNA position 13022, G replaced by C.
Protein change: p.Ser4341Thr; replaces serine 4341 with threonine.
Molecular consequence: missense variant.
Genome position (GRCh38, 1-based): chr14:102,047,832, G>C. VCF-style: chr14-102047832-G-C. GRCh37 (hg19) VCF-style: chr14-102514169-G-C.
Other names: short protein forms S4341T.
Identifiers: ClinVar variation 3234947 (VCV003234947.1), dbSNP rs2503880434, ClinGen allele CA391045633.
Genomic context (GRCh38, chr14:102,047,832, plus strand): 5'-CGTCCCCTCCCTCCTTCCTGCTGCGACTGTGGGACTGTGGCCCAGGTGTGGACATGATCA[G>C]TAAAATGCTGAAGATGCAGATGTTGGAGGATGAGGACGACCTGGCCTACGCAGAGACTGA-3'
Protein context (NP_001367.2, residues 4331-4351): LLTTQGVDMI[Ser4341Thr]KMLKMQMLED

ClinVar aggregate classification (germline): Uncertain significance (1 of 4 stars; one submission).

Conditions:
Autosomal dominant childhood-onset proximal spinal muscular atrophy without contractures. Also called: KUGELBERG-WELANDER SYNDROME, AUTOSOMAL DOMINANT; SPINAL MUSCULAR ATROPHY, JUVENILE, PROXIMAL, AUTOSOMAL DOMINANT; SPINAL MUSCULAR ATROPHY, CHILDHOOD, PROXIMAL, AUTOSOMAL DOMINANT; Spinal muscular atrophy, lower extremity-predominant 1, AD. Identifiers: Orphanet 209341, Orphanet 363447, MedGen C5780022, MONDO:0008026, OMIM 158600.

Submission:

Neuberg Centre For Genomic Medicine, NCGM
Classification: Uncertain significance for Autosomal dominant childhood-onset proximal spinal muscular atrophy without contractures. Review status: criteria provided, single submitter. Criteria: ACMG Guidelines, 2015. Collection method: clinical testing. Allele origin: germline. Inheritance: Autosomal dominant inheritance. Affected: yes.
Comment: The missense c.13022G>C p.Ser4341Thr variant in the DYNC1H1 gene has not been reported previously as a pathogenic variant nor as a benign variant, to our knowledge. The variant is novel not in any individuals in gnomAD Exomes and 1000 Genomes. The amino acid Serine at position 4341 is changed to a Threonine changing protein sequence and it might alter its composition and physico-chemical properties. The amino acid change p.Ser4341Thr in DYNC1H1 is predicted as conserved by GERP++ and PhyloP across 100 vertebrates. For these reasons, this variant has been classified as Uncertain Significance